The following is an entry in ClinVar:

ClinVar aggregate classification (germline): Uncertain significance (1 of 4 stars; one submission).

gnomAD v4.1: 2 of 1,613,720 alleles (0.00012%); highest among the groups gnomAD compares: South Asian, 0.0011%; no homozygotes.

Submission:

Labcorp Genetics (formerly Invitae), Labcorp
Classification: Uncertain significance. Last evaluated: 2024-10-13. Review status: criteria provided, single submitter. Criteria: Invitae Variant Classification Sherloc (09022015). Collection method: clinical testing. Allele origin: germline.
Comment: This sequence change replaces leucine, which is neutral and non-polar, with valine, which is neutral and non-polar, at codon 169 of the ARHGEF1 protein (p.Leu169Val). This variant is not present in population databases (gnomAD no frequency). This variant has not been reported in the literature in individuals affected with ARHGEF1-related conditions. An algorithm developed to predict the effect of missense changes on protein structure and function (PolyPhen-2) suggests that this variant is likely to be disruptive. In summary, the available evidence is currently insufficient to determine the role of this variant in disease. Therefore, it has been classified as a Variant of Uncertain Significance.

NM_004706.4(ARHGEF1):c.460C>G (p.Leu154Val)

Gene: ARHGEF1 (Rho guanine nucleotide exchange factor 1; plus strand). Cytogenetic location: 19q13.2.
Variant type: single nucleotide variant.
Coding change: c.460C>G on transcript NM_004706.4 (MANE Select); coding-DNA position 460, C replaced by G.
Protein change: p.Leu154Val; replaces leucine 154 with valine.
Molecular consequence: missense variant. On other transcripts: non-coding transcript variant (2).
Genome position (GRCh38, 1-based): chr19:41,892,695, C>G. VCF-style: chr19-41892695-C-G. GRCh37 (hg19) VCF-style: chr19-42396766-C-G.
Other names: c.460C>G, p.Leu154Val (NM_001396000.1, NM_001396003.1, NM_001396006.1); c.361C>G, p.Leu121Val (NM_001396002.1, NM_001396004.1, NM_198977.2); c.505C>G, p.Leu169Val (NM_199002.2); short protein forms L121V, L154V, L169V.
Identifiers: ClinVar variation 3722883 (VCV003722883.2).